The following is an entry in ClinVar:

ClinVar aggregate classification (germline): Uncertain significance (1 of 4 stars; one submission).

Conditions:
Inborn genetic diseases. Identifiers: MedGen C0950123, MeSH D030342.

Submission:

Ambry Genetics
Classification: Uncertain significance for Inborn genetic diseases. Last evaluated: 2026-07-13. Review status: criteria provided, single submitter. Criteria: Ambry Variant Classification Scheme 2023. Collection method: clinical testing. Allele origin: germline.
Comment: The p.A174G variant (also known as c.521C>G), located in coding exon 2 of the FANCM gene, results from a C to G substitution at nucleotide position 521. The alanine at codon 174 is replaced by glycine, an amino acid with similar properties. This amino acid position is conserved. In addition, this alteration is predicted to be tolerated by in silico analysis. Based on the available evidence, the clinical significance of this variant remains unclear.

NM_020937.4(FANCM):c.521C>G (p.Ala174Gly)

Gene: FANCM (FA complementation group M; plus strand). Cytogenetic location: 14q21.2.
Variant type: single nucleotide variant.
Coding change: c.521C>G on transcript NM_020937.4 (MANE Select); coding-DNA position 521, C replaced by G.
Protein change: p.Ala174Gly; replaces alanine 174 with glycine.
Molecular consequence: missense variant.
Genome position (GRCh38, 1-based): chr14:45,137,081, C>G. VCF-style: chr14-45137081-C-G. GRCh37 (hg19) VCF-style: chr14-45606284-C-G.
Other names: c.521C>G, p.Ala174Gly (NM_001308133.2, NM_001308134.2); short protein forms A174G.
Identifiers: ClinVar variation 5036612 (VCV005036612.1).